The following is an entry in ClinVar:

NM_025243.4(SLC19A3):c.1261A>T (p.Met421Leu)

Gene: SLC19A3 (solute carrier family 19 member 3; minus strand). Cytogenetic location: 2q36.3.
Variant type: single nucleotide variant.
Coding change: c.1261A>T on transcript NM_025243.4 (MANE Select); coding-DNA position 1261, A replaced by T.
Protein change: p.Met421Leu; replaces methionine 421 with leucine.
Molecular consequence: missense variant.
Genome position (GRCh38, 1-based): chr2:227,688,219, T>A on the plus strand (A>T on the coding strand, the complement: SLC19A3 is on the minus strand). VCF-style: chr2-227688219-T-A. GRCh37 (hg19) VCF-style: chr2-228552935-T-A.
Other names: c.1261A>T (NM_025243.3); c.1261A>T, p.Met421Leu (NM_001371411.1, NM_001371412.1); c.1249A>T, p.Met417Leu (NM_001371413.1, NM_001371414.1); short protein forms M417L, M421L.
Identifiers: ClinVar variation 2143526 (VCV002143526.2), dbSNP rs1258441503, ClinGen allele CA350875436.

ClinVar aggregate classification (germline): Uncertain significance. Review status: criteria provided, multiple submitters, no conflicts (2 of 4 stars). 2 submissions from 2 submitters: Uncertain significance (2). Last evaluated 2025-04-02.

Conditions:
Inborn genetic diseases. Identifiers: MedGen C0950123, MeSH D030342.
Biotin-responsive basal ganglia disease (BTBGD). Also called: Thiamine metabolism dysfunction syndrome 2 (biotin- or thiamine-responsive encephalopathy type 2); thiamine-responsive encephalopathy; THIAMINE METABOLISM DYSFUNCTION SYNDROME 2 (BIOTIN- AND THIAMINE-RESPONSIVE TYPE); Thiamine Transporter-2 Deficiency; Thiamine metabolism dysfunction syndrome type 2. Identifiers: Orphanet 199348, Orphanet 65284, MedGen C1843807, MONDO:0011841, OMIM 607483.

Allele frequency attached by ClinVar (database versions not stated): gnomAD exomes below 0.00001; TOPMed below 0.00001.
gnomAD v4.1: 1 of 1,614,108 alleles (0.000062%); highest among the groups gnomAD compares: Admixed American, 0.0017%; no homozygotes.

Submissions (2):

Ambry Genetics
Classification: Uncertain significance for Inborn genetic diseases. Last evaluated: 2025-04-02. Review status: criteria provided, single submitter. Criteria: Ambry Variant Classification Scheme 2023. Collection method: clinical testing. Allele origin: germline.

Labcorp Genetics (formerly Invitae), Labcorp
Classification: Uncertain significance for Biotin-responsive basal ganglia disease. Last evaluated: 2022-03-14. Review status: criteria provided, single submitter. Criteria: Invitae Variant Classification Sherloc (09022015). Collection method: clinical testing. Allele origin: germline.
Comment: This sequence change replaces methionine, which is neutral and non-polar, with leucine, which is neutral and non-polar, at codon 421 of the SLC19A3 protein (p.Met421Leu). This variant is not present in population databases (gnomAD no frequency). This variant has not been reported in the literature in individuals affected with SLC19A3-related conditions. Advanced modeling of protein sequence and biophysical properties (such as structural, functional, and spatial information, amino acid conservation, physicochemical variation, residue mobility, and thermodynamic stability) performed at Invitae indicates that this missense variant is not expected to disrupt SLC19A3 protein function. In summary, the available evidence is currently insufficient to determine the role of this variant in disease. Therefore, it has been classified as a Variant of Uncertain Significance.